The following is an entry in ClinVar:

NM_004817.4(TJP2):c.49G>C (p.Gly17Arg)

Gene: TJP2 (tight junction protein 2; plus strand). Cytogenetic location: 9q21.11.
Variant type: single nucleotide variant.
Coding change: c.49G>C on transcript NM_004817.4 (MANE Select); coding-DNA position 49, G replaced by C.
Protein change: p.Gly17Arg; replaces glycine 17 with arginine.
Molecular consequence: missense variant. On other transcripts: intron variant (3).
Genome position (GRCh38, 1-based): chr9:69,174,421, G>C. VCF-style: chr9-69174421-G-C. GRCh37 (hg19) VCF-style: chr9-71789337-G-C.
Other names: c.49G>C, p.Gly17Arg (NM_001369872.1, NM_001369873.1, NM_201629.3); c.-10+22650G>C (NM_001170414.2, NM_001369870.1); c.-127-10666G>C (NM_001369871.1); short protein forms G17R.
Identifiers: ClinVar variation 1695497 (VCV001695497.2), dbSNP rs1824901947, ClinGen allele CA373628067.

ClinVar aggregate classification (germline): Uncertain significance (1 of 4 stars; one submission).

Allele frequency attached by ClinVar (database versions not stated): gnomAD exomes below 0.00001; TOPMed below 0.00001; gnomAD 0.00001.
gnomAD v4.1: 2 of 1,551,454 alleles (0.00013%); highest among the groups gnomAD compares: Non-Finnish European, 0.000087%; no homozygotes.

Submission:

GeneDx
Classification: Uncertain significance. Last evaluated: 2022-01-10. Review status: criteria provided, single submitter. Criteria: GeneDx Variant Classification Process June 2021. Collection method: clinical testing. Allele origin: germline. Affected: yes.
Comment: Not observed at significant frequency in large population cohorts (gnomAD); In silico analysis supports that this missense variant does not alter protein structure/function; Has not been previously published as pathogenic or benign to our knowledge